The following is an entry in ClinVar:

NM_001148.6(ANK2):c.8133G>T (p.Gln2711His)

Gene: ANK2 (ankyrin 2; plus strand). Cytogenetic location: 4q26.
Variant type: single nucleotide variant.
Coding change: c.8133G>T on transcript NM_001148.6 (MANE Select); coding-DNA position 8133, G replaced by T.
Protein change: p.Gln2711His; replaces glutamine 2711 with histidine.
Molecular consequence: missense variant. On other transcripts: intron variant (68).
Genome position (GRCh38, 1-based): chr4:113,356,751, G>T. VCF-style: chr4-113356751-G-T. GRCh37 (hg19) VCF-style: chr4-114277907-G-T.
Other names: c.7899G>T, p.Gln2633His (NM_001386142.1); c.4533G>T, p.Gln1511His (NM_001386166.1); c.8274G>T, p.Gln2758His (NM_001386174.1); c.8250G>T, p.Gln2750His (NM_001386175.1); c.4412-4072G>T (NM_001386186.2, NM_001386148.2); c.4214-4072G>T (NM_001354269.3); c.4292-4072G>T (NM_001386187.2); c.4253-4072G>T (NM_001386147.1); and 35 more; short protein forms Q1511H, Q2633H, Q2711H, Q2750H, Q2758H.
Identifiers: ClinVar variation 1217252 (VCV001217252.1), dbSNP rs771607762, ClinGen allele CA357933108.

ClinVar aggregate classification (germline): Uncertain significance (1 of 4 stars; one submission).

Allele frequency attached by ClinVar (database versions not stated): TOPMed 0.00001.
gnomAD v4.1: 2 of 1,613,960 alleles (0.00012%); highest among the groups gnomAD compares: Non-Finnish European, 0.00017%; no homozygotes.

Submission:

Women's Health and Genetics/Laboratory Corporation of America, LabCorp
Classification: Uncertain significance. Last evaluated: 2021-08-16. Review status: criteria provided, single submitter. Criteria: LabCorp Variant Classification Summary - May 2015. Collection method: clinical testing. Allele origin: germline.
Comment: Variant summary: ANK2 c.8133G>T (p.Gln2711His) results in a non-conservative amino acid change in the encoded protein sequence. Three of five in-silico tools predict a benign effect of the variant on protein function. The variant allele was found at a frequency of 4e-06 in 250784 control chromosomes. The available data on variant occurrences in the general population are insufficient to allow any conclusion about variant significance. To our knowledge, no occurrence of c.8133G>T in individuals affected with Long QT Syndrome and no experimental evidence demonstrating its impact on protein function have been reported. No clinical diagnostic laboratories have submitted clinical-significance assessments for this variant to ClinVar after 2014. Based on the evidence outlined above, the variant was classified as uncertain significance.